The following is an entry in ClinVar:

ClinVar aggregate classification (germline): Uncertain significance (1 of 4 stars; one submission).

Conditions:
Emery-Dreifuss muscular dystrophy 4, autosomal dominant (EDMD4). Also called: EMERY-DREIFUSS MUSCULAR DYSTROPHY 4 WITH VARIABLE FEATURES. Identifiers: Orphanet 261, MedGen C2751807, MONDO:0013071, OMIM 612998.
Autosomal recessive ataxia, Beauce type. Also called: SYNE1 Deficiency; Spinocerebellar ataxia, autosomal recessive 8; ATAXIA, RECESSIVE, OF BEAUCE; SYNE1-Related Autosomal Recessive Cerebellar Ataxia. Identifiers: Orphanet 88644, MedGen C1853116, MONDO:0012549, OMIM 610743.

gnomAD v4.1: 8 of 1,613,978 alleles (0.0005%); highest among the groups gnomAD compares: Middle Eastern, 0.033%; no homozygotes.

Submission:

Labcorp Genetics (formerly Invitae), Labcorp
Classification: Uncertain significance for Emery-Dreifuss muscular dystrophy 4, autosomal dominant; Autosomal recessive ataxia, Beauce type. Last evaluated: 2024-06-11. Review status: criteria provided, single submitter. Criteria: Invitae Variant Classification Sherloc (09022015). Collection method: clinical testing. Allele origin: germline.
Comment: This sequence change falls in intron 80 of the SYNE1 gene. It does not directly change the encoded amino acid sequence of the SYNE1 protein. This variant is present in population databases (rs768103072, gnomAD 0.01%). This variant has not been reported in the literature in individuals affected with SYNE1-related conditions. Algorithms developed to predict the effect of sequence changes on RNA splicing suggest that this variant may disrupt the consensus splice site. In summary, the available evidence is currently insufficient to determine the role of this variant in disease. Therefore, it has been classified as a Variant of Uncertain Significance.

NM_182961.4(SYNE1):c.15658-17T>G

Gene: SYNE1 (spectrin repeat containing nuclear envelope protein 1; minus strand). Cytogenetic location: 6q25.2.
Variant type: single nucleotide variant.
Coding change: c.15658-17T>G on transcript NM_182961.4 (MANE Select); 17 bases into the intron before coding-DNA position 15658, T replaced by G.
Molecular consequence: intron variant.
Genome position (GRCh38, 1-based): chr6:152,323,754, A>C on the plus strand (T>G on the coding strand, the complement: SYNE1 is on the minus strand). VCF-style: chr6-152323754-A-C. GRCh37 (hg19) VCF-style: chr6-152644889-A-C.
Other names: c.15445-17T>G (NM_033071.5).
Identifiers: ClinVar variation 3763626 (VCV003763626.2).